The following is an entry in ClinVar:

NM_182641.4(BPTF):c.1618A>G (p.Lys540Glu)

Gene: BPTF (bromodomain PHD finger transcription factor; plus strand). Cytogenetic location: 17q24.2.
Variant type: single nucleotide variant.
Coding change: c.1618A>G on transcript NM_182641.4 (MANE Select); coding-DNA position 1618, A replaced by G.
Protein change: p.Lys540Glu; replaces lysine 540 with glutamic acid.
Molecular consequence: missense variant.
Genome position (GRCh38, 1-based): chr17:67,866,645, A>G. VCF-style: chr17-67866645-A-G. GRCh37 (hg19) VCF-style: chr17-65862761-A-G.
Other names: c.1618A>G, p.Lys540Glu (NM_004459.7); short protein forms K540E.
Identifiers: ClinVar variation 1878823 (VCV001878823.2), dbSNP rs2510286645, ClinGen allele CA400714045.
Genomic context (GRCh38, chr17:67,866,645, plus strand): 5'-CTAGAAGAAATGCGTGAAGAAATCCACCGACACATGGACATAACTGAAGACCTGACCAAT[A>G]AGGCTCGGGGCAGTAACAAATCCTTTCTGGCGGCAGCTAATGGTGAGAGGGGCATTTTCT-3'
Protein context (NP_872579.2, residues 530-550): HMDITEDLTN[Lys540Glu]ARGSNKSFLA

ClinVar aggregate classification (germline): Uncertain significance. Review status: criteria provided, multiple submitters, no conflicts (2 of 4 stars). 2 submissions from 2 submitters: Uncertain significance (2). Last evaluated 2023-04-11.

Submissions (2):

Blueprint Genetics
Classification: Uncertain significance. Last evaluated: 2023-04-11. Review status: criteria provided, single submitter. Criteria: ACMG Guidelines, 2015. Collection method: clinical testing. Allele origin: germline.

GeneDx
Classification: Uncertain significance. Last evaluated: 2022-07-14. Review status: criteria provided, single submitter. Criteria: GeneDx Variant Classification Process June 2021. Collection method: clinical testing. Allele origin: germline. Affected: yes.
Comment: Not observed at significant frequency in large population cohorts (gnomAD); In silico analysis supports that this missense variant has a deleterious effect on protein structure/function; Has not been previously published as pathogenic or benign to our knowledge